The following is an entry in ClinVar:

NM_001734.5(C1S):c.1096G>T (p.Glu366Ter)

Gene: C1S (complement C1s; plus strand). Cytogenetic location: 12p13.31.
Variant type: single nucleotide variant.
Coding change: c.1096G>T on transcript NM_001734.5 (MANE Select); coding-DNA position 1096, G replaced by T.
Protein change: p.Glu366Ter; replaces glutamic acid 366 with a stop codon.
Molecular consequence: nonsense.
Genome position (GRCh38, 1-based): chr12:7,067,672, G>T. VCF-style: chr12-7067672-G-T. GRCh37 (hg19) VCF-style: chr12-7174976-G-T.
Other names: c.595G>T, p.Glu199Ter (NM_001346850.2); c.1096G>T, p.Glu366Ter (NM_201442.4); short protein forms E366*, E199*.
Identifiers: ClinVar variation 2048853 (VCV002048853.4), dbSNP rs1358933191, ClinGen allele CA383700713.

ClinVar aggregate classification (germline): Pathogenic (1 of 4 stars; one submission).

Allele frequency attached by ClinVar (database versions not stated): gnomAD 0.00001; gnomAD exomes 0.00001; TOPMed 0.00001.

Submission:

Labcorp Genetics (formerly Invitae), Labcorp
Classification: Pathogenic. Last evaluated: 2023-07-21. Review status: criteria provided, single submitter. Criteria: Invitae Variant Classification Sherloc (09022015). Collection method: clinical testing. Allele origin: germline.
Comment: For these reasons, this variant has been classified as Pathogenic. Algorithms developed to predict the effect of sequence changes on RNA splicing suggest that this variant may disrupt the consensus splice site. This variant has not been reported in the literature in individuals affected with C1S-related conditions. This variant is present in population databases (no rsID available, gnomAD 0.0009%). This sequence change creates a premature translational stop signal (p.Glu366*) in the C1S gene. It is expected to result in an absent or disrupted protein product. Loss-of-function variants in C1S are known to be pathogenic (PMID: 18062908). ClinVar contains an entry for this variant (Variation ID: 2048853).

Literature cited by the submitters: PubMed 18062908.